The following is an entry in ClinVar:

NM_000051.4(ATM):c.577G>C (p.Ala193Pro)

Gene: ATM (ATM serine/threonine kinase; plus strand). Cytogenetic location: 11q22.3.
Variant type: single nucleotide variant.
Coding change: c.577G>C on transcript NM_000051.4 (MANE Select); coding-DNA position 577, G replaced by C.
Protein change: p.Ala193Pro; replaces alanine 193 with proline.
Molecular consequence: missense variant.
Genome position (GRCh38, 1-based): chr11:108,244,033, G>C. VCF-style: chr11-108244033-G-C. GRCh37 (hg19) VCF-style: chr11-108114760-G-C.
Other names: c.577G>C, p.Ala193Pro (NM_001351834.2); short protein forms A193P.
Identifiers: ClinVar variation 232545 (VCV000232545.5), dbSNP rs876659832, ClinGen allele CA10578965.
Genomic context (GRCh38, chr11:108,244,033, plus strand): 5'-AGGCTCTATCTGAAACCTTCACAAGATGTTCATAGAGTTTTAGTGGCTAGAATAATTCAT[G>C]CTGTTACCAAAGGATGCTGTTCTCAGACTGACGGATTAAATTCCAAATTTTTGGACTTTT-3'
Protein context (NP_000042.3, residues 183-203): HRVLVARIIH[Ala193Pro]VTKGCCSQTD

ClinVar aggregate classification (germline): Uncertain significance (1 of 4 stars; one submission).

Conditions:
Hereditary cancer-predisposing syndrome. Also called: Neoplastic Syndromes, Hereditary; Tumor predisposition; Hereditary Cancer Syndrome; Hereditary neoplastic syndrome. Identifiers: Orphanet 140162, MedGen C0027672, MeSH D009386, MONDO:0015356.

Submission:

Ambry Genetics
Classification: Uncertain significance for Hereditary cancer-predisposing syndrome. Last evaluated: 2015-07-02. Review status: criteria provided, single submitter. Criteria: Ambry Variant Classification Scheme 2023. Collection method: clinical testing. Allele origin: germline.
Comment: The p.A193P variant (also known as c.577G>C), located in coding exon 5 of the ATM gene, results from a G to C substitution at nucleotide position 577. The alanine at codon 193 is replaced by proline, an amino acid with highly similar properties. This variant was not reported in population based cohorts in the following databases: Database of Single Nucleotide Polymorphisms (dbSNP), NHLBI Exome Sequencing Project (ESP), and 1000 Genomes Project. In the ESP, this variant was not observed in 6493 samples (12986 alleles) with coverage at this position. To date, this alteration has been detected with an allele frequency of approximately 0.002% (greater than 66000 alleles tested) in our clinical cohort. This amino acid position is poorly conserved in available vertebrate species. In addition, this alteration is predicted to be tolerated by in silico analysis. Since supporting evidence is limited at this time, the clinical significance of p.A193P remains unclear.